The following is an entry in ClinVar:

NM_001127208.3(TET2):c.1541A>G (p.His514Arg)

Genes: TET2 (tet methylcytosine dioxygenase 2; plus strand), TET2-AS1 (TET2 antisense RNA 1; minus strand). Cytogenetic location: 4q24.
Variant type: single nucleotide variant.
Coding change: c.1541A>G on transcript NM_001127208.3 (MANE Select); coding-DNA position 1541, A replaced by G.
Protein change: p.His514Arg; replaces histidine 514 with arginine.
Molecular consequence: missense variant.
Genome position (GRCh38, 1-based): chr4:105,235,483, A>G. VCF-style: chr4-105235483-A-G. GRCh37 (hg19) VCF-style: chr4-106156640-A-G.
Other names: c.1541A>G, p.His514Arg (NM_017628.4); short protein forms H514R.
Identifiers: ClinVar variation 3455304 (VCV003455304.1).

ClinVar aggregate classification (germline): Uncertain significance (1 of 4 stars; one submission).

gnomAD v4.1: 18 of 1,614,090 alleles (0.0011%); highest among the groups gnomAD compares: African/African-American, 0.0027%; no homozygotes.

Submission:

Ambry Genetics
Classification: Uncertain significance. Last evaluated: 2024-11-21. Review status: criteria provided, single submitter. Criteria: Ambry Variant Classification Scheme 2023. Collection method: clinical testing. Allele origin: germline.
Comment: The p.H514R variant (also known as c.1541A>G), located in coding exon 1 of the TET2 gene, results from an A to G substitution at nucleotide position 1541. The histidine at codon 514 is replaced by arginine, an amino acid with highly similar properties. This amino acid position is conserved. In addition, this alteration is predicted to be tolerated by in silico analysis. Based on the available evidence, the clinical significance of this variant remains unclear.